The following is an entry in ClinVar:

NM_007294.4(BRCA1):c.1046A>G (p.Glu349Gly)

Gene: BRCA1 (BRCA1 DNA repair associated; minus strand). Cytogenetic location: 17q21.31.
Variant type: single nucleotide variant.
Coding change: c.1046A>G on transcript NM_007294.4 (MANE Select); coding-DNA position 1046, A replaced by G.
Protein change: p.Glu349Gly; replaces glutamic acid 349 with glycine.
Molecular consequence: missense variant. On other transcripts: intron variant (137).
Genome position (GRCh38, 1-based): chr17:43,094,485, T>C on the plus strand (A>G on the coding strand, the complement: BRCA1 is on the minus strand). VCF-style: chr17-43094485-T-C. GRCh37 (hg19) VCF-style: chr17-41246502-T-C.
Other names: c.833A>G, p.Glu278Gly (NM_001407571.1, NM_001407853.1, NM_001407894.1 and 9 more transcripts); c.1046A>G, p.Glu349Gly (NM_001407581.1, NM_001407582.1, NM_001407583.1 and 30 more transcripts); c.1043A>G, p.Glu348Gly (NM_001407587.1, NM_001407590.1, NM_001407591.1 and 22 more transcripts); c.1037A>G, p.Glu346Gly (NM_001407646.1, NM_001407647.1); c.923A>G, p.Glu308Gly (NM_001407648.1, NM_001407664.1, NM_001407665.1 and 19 more transcripts); c.920A>G, p.Glu307Gly (NM_001407649.1, NM_001407670.1, NM_001407671.1 and 11 more transcripts); c.968A>G, p.Glu323Gly (NM_001407663.1, NM_001407653.1, NM_001407654.1 and 4 more transcripts); c.905A>G, p.Glu302Gly (NM_001407727.1, NM_001407728.1, NM_001407729.1 and 29 more transcripts); and 40 more; short protein forms E302G, E349G, E261G, E278G, E308G, E323G, E53G, E279G.
Identifiers: ClinVar variation 1497408 (VCV001497408.11), dbSNP rs2154478875, ClinGen allele CA10599971.

ClinVar aggregate classification (germline): Conflicting classifications of pathogenicity. Review status: criteria provided, conflicting classifications (1 of 4 stars). 2 submissions from 2 submitters: Uncertain significance (1); Likely benign (1). Last evaluated 2023-03-23.

Conditions:
Hereditary cancer-predisposing syndrome. Also called: Tumor predisposition; Hereditary neoplastic syndrome; Neoplastic Syndromes, Hereditary; Hereditary Cancer Syndrome. Identifiers: Orphanet 140162, MedGen C0027672, MeSH D009386, MONDO:0015356.
Hereditary breast ovarian cancer syndrome. Also called: BRCA1- and BRCA2-Associated Hereditary Breast and Ovarian Cancer; Hereditary breast and ovarian cancer; Hereditary breast and/or ovarian cancer syndrome; Hereditary breast and ovarian cancer syndrome; Hereditary breast and ovarian cancer syndrome (HBOC); Breast and ovarian cancer. Identifiers: Orphanet 145, MedGen C0677776, MeSH D061325, MONDO:0003582. Disease mechanism: loss of function.

Submissions (2):

University of Washington Department of Laboratory Medicine, University of Washington
Classification: Likely benign for Hereditary cancer-predisposing syndrome. Last evaluated: 2023-03-23. Review status: criteria provided, single submitter. Criteria: Dines et al. (Genet Med. 2020). Collection method: curation. Allele origin: germline.
Comment: Missense variant in a coldspot region where missense variants are very unlikely to be pathogenic (PMID:31911673).

BRCA1 coldspot (exon 11 using historical exon numbering). Reclassification based on statistical prior probability

Labcorp Genetics (formerly Invitae), Labcorp
Classification: Uncertain significance for Hereditary breast ovarian cancer syndrome. Last evaluated: 2021-06-08. Review status: criteria provided, single submitter. Criteria: Invitae Variant Classification Sherloc (09022015). Collection method: clinical testing. Allele origin: germline.
Comment: This sequence change replaces glutamic acid with glycine at codon 349 of the BRCA1 protein (p.Glu349Gly). The glutamic acid residue is moderately conserved and there is a moderate physicochemical difference between glutamic acid and glycine. This variant is not present in population databases (ExAC no frequency). This variant has not been reported in the literature in individuals with BRCA1-related conditions. Advanced modeling of protein sequence and biophysical properties (such as structural, functional, and spatial information, amino acid conservation, physicochemical variation, residue mobility, and thermodynamic stability) performed at Invitae indicates that this missense variant is not expected to disrupt BRCA1 protein function. In summary, the available evidence is currently insufficient to determine the role of this variant in disease. Therefore, it has been classified as a Variant of Uncertain Significance.